The following is an entry in ClinVar:

ClinVar aggregate classification (germline): Uncertain significance (1 of 4 stars; one submission).

Conditions:
Charcot-Marie-Tooth disease type 2. Also called: Charcot-Marie-Tooth type 2. Identifiers: Orphanet 64746, MedGen C0270914, MONDO:0018993.

Allele frequency attached by ClinVar (database versions not stated): gnomAD exomes below 0.00001.
gnomAD v4.1: 2 of 1,614,136 alleles (0.00012%); highest among the groups gnomAD compares: Non-Finnish European, 0.00017%; no homozygotes.

Submission:

Labcorp Genetics (formerly Invitae), Labcorp
Classification: Uncertain significance for Charcot-Marie-Tooth disease type 2. Last evaluated: 2018-06-19. Review status: criteria provided, single submitter. Criteria: Invitae Variant Classification Sherloc (09022015). Collection method: clinical testing. Allele origin: germline.
Comment: In summary, the available evidence is currently insufficient to determine the role of this variant in disease. Therefore, it has been classified as a Variant of Uncertain Significance. Algorithms developed to predict the effect of missense changes on protein structure and function output the following: SIFT: "Tolerated"; PolyPhen-2: "Benign"; Align-GVGD: "Class C0". The valine amino acid residue is found in multiple mammalian species, suggesting that this missense change does not adversely affect protein function. These predictions have not been confirmed by published functional studies and their clinical significance is uncertain. This variant has not been reported in the literature in individuals with GARS-related disease. This variant is not present in population databases (ExAC no frequency). This sequence change replaces isoleucine with valine at codon 672 of the GARS protein (p.Ile672Val). The isoleucine residue is highly conserved and there is a small physicochemical difference between isoleucine and valine.

NM_002047.4(GARS1):c.2014A>G (p.Ile672Val)

Gene: GARS1 (glycyl-tRNA synthetase 1; plus strand). Cytogenetic location: 7p14.3.
Variant type: single nucleotide variant.
Coding change: c.2014A>G on transcript NM_002047.4 (MANE Select); coding-DNA position 2014, A replaced by G.
Protein change: p.Ile672Val; replaces isoleucine 672 with valine.
Molecular consequence: missense variant.
Genome position (GRCh38, 1-based): chr7:30,632,357, A>G. VCF-style: chr7-30632357-A-G. GRCh37 (hg19) VCF-style: chr7-30671973-A-G.
Other names: c.2014A>G (LRG_243t1); c.1852A>G, p.Ile618Val (NM_001316772.1); short protein forms I672V, I618V.
Identifiers: ClinVar variation 567025 (VCV000567025.8), dbSNP rs1562784262, ClinGen allele CA367130774.